The following is an entry in ClinVar:

NM_001379200.1(TBX1):c.1041G>A (p.Ala347=)

Gene: TBX1 (T-box transcription factor 1; plus strand). Cytogenetic location: 22q11.21.
Variant type: single nucleotide variant.
Coding change: c.1041G>A on transcript NM_001379200.1 (MANE Select); coding-DNA position 1041, G replaced by A.
Protein change: p.Ala347=; no amino-acid change (alanine 347 retained).
Molecular consequence: synonymous variant. On other transcripts: intron variant (2).
Genome position (GRCh38, 1-based): chr22:19,766,393, G>A. VCF-style: chr22-19766393-G-A. GRCh37 (hg19) VCF-style: chr22-19753916-G-A.
Other names: c.1014G>A, p.Ala338= (NM_080647.1); c.1009+391G>A (NM_005992.1, NM_080646.2).
Identifiers: ClinVar variation 2200361 (VCV002200361.5), dbSNP rs1381402015, ClinGen allele CA513687110.

ClinVar aggregate classification (germline): Likely benign (1 of 4 stars; one submission).

Conditions:
DiGeorge syndrome. Also called: Catch22; THIRD AND FOURTH PHARYNGEAL POUCH SYNDROME. Identifiers: Orphanet 567, MedGen C0012236, MONDO:0008564, OMIM 188400.

gnomAD v4.1: 3 of 1,336,936 alleles (0.00022%); highest among the groups gnomAD compares: Non-Finnish European, 0.00019%; no homozygotes.

Submission:

Labcorp Genetics (formerly Invitae), Labcorp
Classification: Likely benign for DiGeorge syndrome. Last evaluated: 2025-04-14. Review status: criteria provided, single submitter. Criteria: Invitae Variant Classification Sherloc (09022015). Collection method: clinical testing. Allele origin: germline.